The following is an entry in ClinVar:

NM_003900.5(SQSTM1):c.955G>A (p.Glu319Lys)

Gene: SQSTM1 (sequestosome 1; plus strand). Cytogenetic location: 5q35.3.
Variant type: single nucleotide variant.
Coding change: c.955G>A on transcript NM_003900.5 (MANE Select); coding-DNA position 955, G replaced by A.
Protein change: p.Glu319Lys; replaces glutamic acid 319 with lysine.
Molecular consequence: missense variant.
Genome position (GRCh38, 1-based): chr5:179,833,232, G>A. VCF-style: chr5-179833232-G-A. GRCh37 (hg19) VCF-style: chr5-179260232-G-A.
Other names: c.703G>A, p.Glu235Lys (NM_001142298.2, NM_001142299.2); short protein forms E235K, E319K.
Identifiers: ClinVar variation 353165 (VCV000353165.45), dbSNP rs61748794, ClinGen allele CA3600739.

ClinVar aggregate classification (germline): Benign. Review status: criteria provided, multiple submitters, no conflicts (2 of 4 stars). 6 submissions from 6 submitters: Benign (6). Last evaluated 2026-06-01.

Conditions:
Paget disease of bone 3. Identifiers: MedGen C4085252, MONDO:0008176, OMIM 167250.
Frontotemporal dementia and/or amyotrophic lateral sclerosis 1 (FTDALS1). Also called: Frontotemporal dementia with motor neuron disease 1; C9orf72 Frontotemporal Dementia and/or Amyotrophic Lateral Sclerosis. Identifiers: Orphanet 275872, MedGen C5779877, MONDO:0007105, OMIM 105550.
Paget disease of bone 2, early-onset (PDB2). Also called: Paget disease of bone 2. Identifiers: MedGen C4085251, MONDO:0011183, OMIM 602080.

Allele frequency attached by ClinVar (database versions not stated): gnomAD exomes 0.00129 and 0.00353; ExAC 0.00680; gnomAD 0.01318 and 0.01418; ESP Exome Variant Server 0.01395; TOPMed 0.01433; 1000 Genomes Project 0.01577; 1000 Genomes Project 30x 0.01702.
gnomAD v4.1: 3,913 of 1,588,600 alleles (0.25%); highest among the groups gnomAD compares: African/African-American, 4.6%; 86 homozygotes.

Submissions (6):

CeGaT Center for Human Genetics Tuebingen
Classification: Benign. Last evaluated: 2026-06-01. Review status: criteria provided, single submitter. Criteria: CeGaT Center For Human Genetics Tuebingen Variant Classification Criteria Version 2. Collection method: clinical testing. Allele origin: germline. Affected: yes. Observed: 6 variant alleles.
Comment: SQSTM1: BP4, BS1, BS2

Labcorp Genetics (formerly Invitae), Labcorp
Classification: Benign for Paget disease of bone 2, early-onset; Frontotemporal dementia and/or amyotrophic lateral sclerosis 1. Last evaluated: 2026-02-01. Review status: criteria provided, single submitter. Criteria: Invitae Variant Classification Sherloc (09022015). Collection method: clinical testing. Allele origin: germline.

Athena Diagnostics
Classification: Benign. Last evaluated: 2024-06-25. Review status: criteria provided, single submitter. Criteria: Athena Diagnostics Criteria. Collection method: clinical testing. Allele origin: unknown.

Mayo Clinic Laboratories, Mayo Clinic
Classification: Benign. Last evaluated: 2024-03-05. Review status: criteria provided, single submitter. Criteria: ACMG Guidelines, 2015. Collection method: clinical testing. Allele origin: germline. Observed: 11 variant alleles.
Comment: BS1, BS2, BP4

GeneDx
Classification: Benign. Last evaluated: 2020-09-22. Review status: criteria provided, single submitter. Criteria: GeneDx Variant Classification Process June 2021. Collection method: clinical testing. Allele origin: germline. Affected: yes.
Comment: This variant is associated with the following publications: (PMID: 22972638)

Illumina Laboratory Services, Illumina
Classification: Benign for Paget disease of bone 3. Last evaluated: 2018-01-13. Review status: criteria provided, single submitter. Criteria: ICSL Variant Classification Criteria 13 December 2019. Collection method: clinical testing. Allele origin: germline.
Comment: This variant was observed in the ICSL laboratory as part of a predisposition screen in an ostensibly healthy population. It had not been previously curated by ICSL or reported in the Human Gene Mutation Database (HGMD: prior to June 1st, 2018), and was therefore a candidate for classification through an automated scoring system. Utilizing variant allele frequency, disease prevalence and penetrance estimates, and inheritance mode, an automated score was calculated to assess if this variant is too frequent to cause the disease. Based on the score and internal cut-off values, a variant classified as benign is not then subjected to further curation. The score for this variant resulted in a classification of benign for this disease.

Literature cited by the submitters: PubMed 24486447 (cited by Athena Diagnostics); PubMed 26242991 (cited by Athena Diagnostics); PubMed 22972638 (cited by Athena Diagnostics); PubMed 23942205 (cited by Athena Diagnostics); PubMed 25796131 (cited by Athena Diagnostics); PubMed 22084127 (cited by Athena Diagnostics); PubMed 24899140 (cited by Athena Diagnostics); PubMed 27163810 (cited by Athena Diagnostics); PubMed 32385536 (cited by Athena Diagnostics).